The following is an entry in ClinVar:

NM_004006.3(DMD):c.4876G>A (p.Val1626Met)

Gene: DMD (dystrophin; minus strand). Cytogenetic location: Xp21.1.
Variant type: single nucleotide variant.
Coding change: c.4876G>A on transcript NM_004006.3 (MANE Select); coding-DNA position 4876, G replaced by A.
Protein change: p.Val1626Met; replaces valine 1626 with methionine.
Molecular consequence: missense variant.
Genome position (GRCh38, 1-based): chrX:32,365,169, C>T on the plus strand (G>A on the coding strand, the complement: DMD is on the minus strand). VCF-style: chrX-32365169-C-T. GRCh37 (hg19) VCF-style: chrX-32383286-C-T.
Other names: c.4852G>A, p.Val1618Met (NM_000109.4); c.4864G>A, p.Val1622Met (NM_004009.3); c.4507G>A, p.Val1503Met (NM_004010.3); c.853G>A, p.Val285Met (NM_004011.4); c.844G>A, p.Val282Met (NM_004012.4); short protein forms V1626M, V1618M, V285M, V1503M, V1622M, V282M.
Identifiers: ClinVar variation 391221 (VCV000391221.21), dbSNP rs776998846, ClinGen allele CA10378831.

ClinVar aggregate classification (germline): Benign/Likely benign. Review status: criteria provided, multiple submitters, no conflicts (2 of 4 stars). 7 submissions from 7 submitters: Benign (2); Likely benign (3). 2 of the submissions do not count toward it. Last evaluated 2026-01-13.

Conditions:
DMD-related disorder. Also called: DMD-related condition.
Becker muscular dystrophy (BMD). Also called: MUSCULAR DYSTROPHY, PSEUDOHYPERTROPHIC PROGRESSIVE, BECKER TYPE; Becker Muscular Dystrophy (BMD). Identifiers: Orphanet 98895, MedGen C0917713, MONDO:0010311, OMIM 300376.
Cardiomyopathy (CMYO). Also called: Cardiomyopathies. Identifiers: Orphanet 167848, MedGen C0878544, MONDO:0004994, HP:0001638. Inheritance: Various modes of inheritance.
Duchenne muscular dystrophy (DMD). Also called: MUSCULAR DYSTROPHY, PSEUDOHYPERTROPHIC PROGRESSIVE, DUCHENNE TYPE; Duchenne Muscular Dystrophy (DMD). Identifiers: Orphanet 98896, MedGen C0013264, MONDO:0010679, OMIM 310200.
Dystrophin deficiency.
Cardiovascular phenotype. Identifiers: MedGen CN230736.

Allele frequency attached by ClinVar (database versions not stated): TOPMed 0.00001; ExAC 0.00013; gnomAD 0.00014; gnomAD exomes 0.00021.
gnomAD v4.1: 47 of 1,208,804 alleles (0.0039%); highest among the groups gnomAD compares: Admixed American, 0.1%; no homozygotes.

Submissions (7):

Labcorp Genetics (formerly Invitae), Labcorp
Classification: Benign for Duchenne muscular dystrophy. Last evaluated: 2026-01-13. Review status: criteria provided, single submitter. Criteria: Invitae Variant Classification Sherloc (09022015). Collection method: clinical testing. Allele origin: germline.

Women's Health and Genetics/Laboratory Corporation of America, LabCorp
Classification: Benign. Last evaluated: 2021-06-06. Review status: criteria provided, single submitter. Criteria: LabCorp Variant Classification Summary - May 2015. Collection method: clinical testing. Allele origin: germline.
Comment: Variant summary: DMD c.4876G>A (p.Val1626Met) results in a conservative amino acid change in the encoded protein sequence. Five of five in-silico tools predict a benign effect of the variant on protein function. The variant allele was found at a frequency of 0.00021 in 183057 control chromosomes. The observed variant frequency is approximately 19 fold of the estimated maximal expected allele frequency for a pathogenic variant in DMD causing Dystrophinopathies phenotype (1.1e-05), strongly suggesting that the variant is benign. To our knowledge, no occurrence of c.4876G>A in individuals affected with Dystrophinopathies and no experimental evidence demonstrating its impact on protein function have been reported. Three clinical diagnostic laboratories have submitted clinical-significance assessments for this variant to ClinVar after 2014 without evidence for independent evaluation. All laboratories classified the variant as benign/likely benign. Based on the evidence outlined above, the variant was classified as benign.

Ambry Genetics
Classification: Likely benign for Cardiovascular phenotype. Last evaluated: 2019-04-30. Review status: criteria provided, single submitter. Criteria: Ambry Variant Classification Scheme 2023. Collection method: clinical testing. Allele origin: germline.

Eurofins Ntd Llc (ga)
Classification: Likely benign. Last evaluated: 2017-01-30. Review status: criteria provided, single submitter. Criteria: EGL Classification Definitions 2015. Collection method: clinical testing. Allele origin: germline. Observed: 1 variant allele, 1 heterozygote.

GeneDx
Classification: Likely benign. Last evaluated: 2016-12-06. Review status: criteria provided, single submitter. Criteria: GeneDx Variant Classification (06012015). Collection method: clinical testing. Allele origin: germline. Affected: yes.
Comment: This variant is considered likely benign or benign based on one or more of the following criteria: it is a conservative change, it occurs at a poorly conserved position in the protein, it is predicted to be benign by multiple in silico algorithms, and/or has population frequency not consistent with disease.

PreventionGenetics, part of Exact Sciences
Classification: Likely benign for DMD-related condition. Last evaluated: 2022-07-07. Review status: no assertion criteria provided. Collection method: clinical testing. Allele origin: germline. Not counted in ClinVar's aggregate classification.
Comment: This variant is classified as likely benign based on ACMG/AMP sequence variant interpretation guidelines (Richards et al. 2015 PMID: 25741868, with internal and published modifications).

Natera, Inc.
Classification: Likely benign for Becker muscular dystrophy; Cardiomyopathy; Duchenne muscular dystrophy; Dystrophin deficiency. Last evaluated: 2019-06-21. Review status: no assertion criteria provided. Collection method: clinical testing. Allele origin: germline. Not counted in ClinVar's aggregate classification.